The following is an entry in ClinVar:

ClinVar aggregate classification (germline): Pathogenic (1 of 4 stars; one submission).

Conditions:
Dilated cardiomyopathy 1DD (CMD1DD). Identifiers: Orphanet 154, MedGen C2750995, MONDO:0013168, OMIM 613172.

Submission:

Labcorp Genetics (formerly Invitae), Labcorp
Classification: Pathogenic for Dilated cardiomyopathy 1DD. Last evaluated: 2025-12-29. Review status: criteria provided, single submitter. Criteria: Invitae Variant Classification Sherloc (09022015). Collection method: clinical testing. Allele origin: germline.
Comment: This sequence change creates a premature translational stop signal (p.Gly404delinsProGlyValAlaIleCysAlaAlaProAlaGlySer*) in the RBM20 gene. It is expected to result in an absent or disrupted protein product. Loss-of-function variants in RBM20 are known to be pathogenic (PMID: 20590677, 22004663, 38288598, 38510713, 40339755). This variant is not present in population databases (gnomAD no frequency). This premature translational stop signal has been observed in individual(s) with RBM20-related conditions (internal data). For these reasons, this variant has been classified as Pathogenic.

Literature cited by the submitters: PubMed 20590677; PubMed 22004663; PubMed 38288598; PubMed 38510713; PubMed 40339755.

NM_001134363.3(RBM20):c.1155_1209dup (p.Gly404delinsProGlyValAlaIleCysAlaAlaProAlaGlySerTer)

Gene: RBM20 (RNA binding motif protein 20; plus strand). Cytogenetic location: 10q25.2.
Variant type: Duplication.
Coding change: c.1155_1209dup on transcript NM_001134363.3 (MANE Select); coding-DNA positions 1155 to 1209, 55 bases duplicated.
Protein change: p.Gly404delinsProGlyValAlaIleCysAlaAlaProAlaGlySerTer.
Molecular consequence: nonsense.
Genome position (GRCh38, 1-based): chr10:110,781,764-110,781,818, 55 bases duplicated. GRCh37 (hg19): chr10:112,541,522-112,541,576.
Identifiers: ClinVar variation 4713778 (VCV004713778.1).